The following is an entry in ClinVar:

ClinVar aggregate classification (germline): Conflicting classifications of pathogenicity. Review status: criteria provided, conflicting classifications (1 of 4 stars). 6 submissions from 6 submitters: Uncertain significance (1); Benign (2); Likely benign (2). 1 of the submissions does not count toward it. Last evaluated 2026-01-20.

Conditions:
Inborn genetic diseases. Identifiers: MedGen C0950123, MeSH D030342.
Connective tissue disorder. Also called: Connective tissue disease. Identifiers: MedGen C0009782, MONDO:0003900.
Greenberg dysplasia (GRBGD). Also called: CHONDRODYSTROPHY, HYDROPIC AND PRENATALLY LETHAL TYPE; HEM SKELETAL DYSPLASIA; MOTH-EATEN SKELETAL DYSPLASIA. Identifiers: Orphanet 1426, MedGen C2931048, MONDO:0008974, OMIM 215140.
LBR-related disorder. Also called: LBR-related condition; LBR-related disorders.

Allele frequency attached by ClinVar (database versions not stated): 1000 Genomes Project 30x 0.00016; 1000 Genomes Project 0.00020; gnomAD 0.00022 and 0.00024; ESP Exome Variant Server 0.00031; TOPMed 0.00032; ExAC 0.00043; gnomAD exomes 0.00059.
gnomAD v4.1: 533 of 1,568,562 alleles (0.034%); highest among the groups gnomAD compares: Middle Eastern, 0.44%; 1 homozygote.

Submissions (6):

Labcorp Genetics (formerly Invitae), Labcorp
Classification: Benign. Last evaluated: 2026-01-20. Review status: criteria provided, single submitter. Criteria: Invitae Variant Classification Sherloc (09022015). Collection method: clinical testing. Allele origin: germline.

Athena Diagnostics
Classification: Benign. Last evaluated: 2024-12-06. Review status: criteria provided, single submitter. Criteria: Athena Diagnostics Criteria. Collection method: clinical testing. Allele origin: unknown.
Comment: The frequency of this variant in the general population is higher than would generally be expected for pathogenic variants in this gene. Computational tools predict this amino acid change may be benign.

Ambry Genetics
Classification: Likely benign for Inborn genetic diseases. Last evaluated: 2021-07-20. Review status: criteria provided, single submitter. Criteria: Ambry Variant Classification Scheme 2023. Collection method: clinical testing. Allele origin: germline.

Genome Diagnostics Laboratory, The Hospital for Sick Children
Classification: Likely benign for Connective tissue disorder. Last evaluated: 2020-08-18. Review status: criteria provided, single submitter. Criteria: ACMG Guidelines, 2015. Collection method: clinical testing. Allele origin: germline.

Illumina Laboratory Services, Illumina
Classification: Uncertain significance for Greenberg dysplasia. Last evaluated: 2018-01-12. Review status: criteria provided, single submitter. Criteria: ICSL Variant Classification Criteria 13 December 2019. Collection method: clinical testing. Allele origin: germline.

PreventionGenetics, part of Exact Sciences
Classification: Likely benign for LBR-related condition. Last evaluated: 2020-05-18. Review status: no assertion criteria provided. Collection method: clinical testing. Allele origin: germline. Not counted in ClinVar's aggregate classification.
Comment: This variant is classified as likely benign based on ACMG/AMP sequence variant interpretation guidelines (Richards et al. 2015 PMID: 25741868, with internal and published modifications).

Literature cited by the submitters: PubMed 29758565 (cited by Athena Diagnostics); PubMed 29590070 (cited by Athena Diagnostics); PubMed 27875746 (cited by Athena Diagnostics).

NM_002296.4(LBR):c.899A>G (p.Tyr300Cys)

Gene: LBR (lamin B receptor; minus strand). Cytogenetic location: 1q42.12.
Variant type: single nucleotide variant.
Coding change: c.899A>G on transcript NM_002296.4 (MANE Select); coding-DNA position 899, A replaced by G.
Protein change: p.Tyr300Cys; replaces tyrosine 300 with cysteine.
Molecular consequence: missense variant.
Genome position (GRCh38, 1-based): chr1:225,412,639, T>C on the plus strand (A>G on the coding strand, the complement: LBR is on the minus strand). VCF-style: chr1-225412639-T-C. GRCh37 (hg19) VCF-style: chr1-225600341-T-C.
Other names: c.899A>G, p.Tyr300Cys (NM_194442.3); short protein forms Y300C.
Identifiers: ClinVar variation 295939 (VCV000295939.24), dbSNP rs2230422, ClinGen allele CA1417292.